The following is an entry in ClinVar:

ClinVar aggregate classification (germline): Uncertain significance (1 of 4 stars; one submission).

Conditions:
Hereditary cancer-predisposing syndrome. Also called: Neoplastic Syndromes, Hereditary; Tumor predisposition; Hereditary Cancer Syndrome; Hereditary neoplastic syndrome. Identifiers: Orphanet 140162, MedGen C0027672, MeSH D009386, MONDO:0015356.

Submission:

Ambry Genetics
Classification: Uncertain significance for Hereditary cancer-predisposing syndrome. Last evaluated: 2025-10-19. Review status: criteria provided, single submitter. Criteria: Ambry Variant Classification Scheme 2023. Collection method: clinical testing. Allele origin: germline.
Comment: The p.E657G variant (also known as c.1970A>G), located in coding exon 11 of the DICER1 gene, results from an A to G substitution at nucleotide position 1970. The glutamic acid at codon 657 is replaced by glycine, an amino acid with similar properties. This amino acid position is conserved. In addition, the in silico prediction for this alteration is inconclusive. Based on the available evidence, the clinical significance of this variant remains unclear.

NM_177438.3(DICER1):c.1970A>G (p.Glu657Gly)

Gene: DICER1 (dicer 1, ribonuclease III; minus strand). Cytogenetic location: 14q32.13.
Variant type: single nucleotide variant.
Coding change: c.1970A>G on transcript NM_177438.3 (MANE Select); coding-DNA position 1970, A replaced by G.
Protein change: p.Glu657Gly; replaces glutamic acid 657 with glycine.
Molecular consequence: missense variant. On other transcripts: non-coding transcript variant (6).
Genome position (GRCh38, 1-based): chr14:95,113,162, T>C on the plus strand (A>G on the coding strand, the complement: DICER1 is on the minus strand). VCF-style: chr14-95113162-T-C. GRCh37 (hg19) VCF-style: chr14-95579499-T-C.
Other names: c.1970A>G, p.Glu657Gly (NM_001195573.1, NM_001271282.3, NM_001291628.2 and 12 more transcripts); c.1688A>G, p.Glu563Gly (NM_001395686.1); c.1565A>G, p.Glu522Gly (NM_001395687.1, NM_001395688.1, NM_001395689.1 and 3 more transcripts); c.1403A>G, p.Glu468Gly (NM_001395691.1); c.287A>G, p.Glu96Gly (NM_001395697.1); short protein forms E96G, E468G, E522G, E563G, E657G.
Identifiers: ClinVar variation 4637252 (VCV004637252.1).